The following is an entry in ClinVar:

ClinVar aggregate classification (germline): Uncertain significance (1 of 4 stars; one submission).

Conditions:
Familial hemophagocytic lymphohistiocytosis 5. Also called: STXBP2-Related Familial Hemophagocytic Lymphohistiocytosis (STXBP2-fHLH). Identifiers: Orphanet 540, MedGen C2751293, MONDO:0013135, OMIM 613101.

Submission:

Labcorp Genetics (formerly Invitae), Labcorp
Classification: Uncertain significance for Familial hemophagocytic lymphohistiocytosis 5. Last evaluated: 2022-08-09. Review status: criteria provided, single submitter. Criteria: Invitae Variant Classification Sherloc (09022015). Collection method: clinical testing. Allele origin: germline.
Comment: This sequence change replaces valine, which is neutral and non-polar, with isoleucine, which is neutral and non-polar, at codon 482 of the STXBP2 protein (p.Val482Ile). Information on the frequency of this variant in the gnomAD database is not available, as this variant may be reported differently in the database. This missense change has been observed in individual(s) with clinical features of hemophagocytic lymphohistiocytosis (PMID: 26451869). ClinVar contains an entry for this variant (Variation ID: 972650). Experimental studies and prediction algorithms are not available or were not evaluated, and the functional significance of this variant is currently unknown. In summary, the available evidence is currently insufficient to determine the role of this variant in disease. Therefore, it has been classified as a Variant of Uncertain Significance.

Literature cited by the submitters: PubMed 26451869.

NM_006949.4(STXBP2):c.1443_1444inv (p.Val482Ile)

Gene: STXBP2 (syntaxin binding protein 2; plus strand). Cytogenetic location: 19p13.2.
Variant type: Inversion.
Coding change: c.1443_1444inv on transcript NM_006949.4 (MANE Select).
Protein change: p.Val482Ile; replaces valine 482 with isoleucine.
Molecular consequence: missense variant. On other transcripts: non-coding transcript variant (1).
Genome position: GRCh38 VCF-style: chr19-7646335-TG-CA. GRCh37 (hg19) VCF-style: chr19-7711221-TG-CA.
Other names: c.1434_1435inv, p.Val479Ile (NM_001127396.3); c.1476_1477inv, p.Val493Ile (NM_001272034.2); short protein forms V479I, V482I, V493I.
Identifiers: ClinVar variation 972650 (VCV000972650.5), ClinGen allele CA1139666202.
Genomic context (GRCh38, chr19:7,646,335, plus strand): 5'-GCCGAGAGAACGCATGGAGCCCACCTATCAGCTGTCCCGCTGGACCCCGGTCATCAAGGA[TG>CA]TAATGGAGGTACTGGGTGGCAGGTCAGGGTGGGGGCCAGCCCTCCGCATCGGCTGGCGGC-3'
Protein context (NP_008880.2, residues 472-492): LSRWTPVIKD[Val482Ile]MEDAVEDRLD